The following is an entry in ClinVar:

ClinVar aggregate classification (germline): Benign/Likely benign. Review status: criteria provided, multiple submitters, no conflicts (2 of 4 stars). 14 submissions from 12 submitters: Benign (12); Likely benign (1). 1 of the submissions does not count toward it. Last evaluated 2026-02-04.

Conditions:
Maturity-onset diabetes of the young (MODY). Also called: Maturity onset diabetes mellitus in young. Identifiers: Orphanet 552, MedGen C0342276, MONDO:0018911, HP:0004904.
Maturity-onset diabetes of the young type 3. Also called: MODY type 3; MODY, type III. Identifiers: Orphanet 552, MedGen C1838100, MeSH C563933, MONDO:0010894, OMIM 600496. Disease mechanism: loss of function.
Type 2 diabetes mellitus. Also called: Type II diabetes mellitus. Identifiers: MedGen C0011860, MeSH D003924, MONDO:0005148, OMIM 125853, HP:0005978.
Nonpapillary renal cell carcinoma. Identifiers: Orphanet 422526, MedGen CN074294, MONDO:0007763, OMIM 144700.

Allele frequency attached by ClinVar (database versions not stated): ESP Exome Variant Server 0.24639; gnomAD 0.26141 and 0.27103; TOPMed 0.26661; gnomAD exomes 0.31165 and 0.33818; 1000 Genomes Project 0.31669; ExAC 0.33678.

Submissions (14):

Labcorp Genetics (formerly Invitae), Labcorp
Classification: Benign. Last evaluated: 2026-02-04. Review status: criteria provided, single submitter. Criteria: Invitae Variant Classification Sherloc (09022015). Collection method: clinical testing. Allele origin: germline.

KCCC/NGS Laboratory, Kuwait Cancer Control Center
Classification: Benign for Maturity-onset diabetes of the young type 3. Last evaluated: 2025-02-01. Review status: criteria provided, single submitter. Criteria: ACMG Guidelines, 2015. Collection method: clinical testing. Allele origin: germline. Affected: no.

Blueprint Genetics
Classification: Benign. Last evaluated: 2024-11-27. Review status: criteria provided, single submitter. Criteria: ACMG Guidelines, 2015. Collection method: clinical testing. Allele origin: germline.

KCCC/NGS Laboratory, Kuwait Cancer Control Center
Classification: Benign for Nonpapillary renal cell carcinoma. Last evaluated: 2023-07-07. Review status: criteria provided, single submitter. Criteria: ACMG Guidelines, 2015. Collection method: clinical testing. Allele origin: germline. Affected: yes.

Genome-Nilou Lab
Classification: Benign for Maturity-onset diabetes of the young type 3. Last evaluated: 2021-08-10. Review status: criteria provided, single submitter. Criteria: ACMG Guidelines, 2015. Collection method: clinical testing. Allele origin: germline. Affected: no.

Illumina Laboratory Services, Illumina
Classification: Benign for Maturity-onset diabetes of the young type 3. Last evaluated: 2018-01-13. Review status: criteria provided, single submitter. Criteria: ICSL Variant Classification Criteria 13 December 2019. Collection method: clinical testing. Allele origin: germline.
Comment: This variant was observed in the ICSL laboratory as part of a predisposition screen in an ostensibly healthy population. It had not been previously curated by ICSL or reported in the Human Gene Mutation Database (HGMD: prior to June 1st, 2018), and was therefore a candidate for classification through an automated scoring system. Utilizing variant allele frequency, disease prevalence and penetrance estimates, and inheritance mode, an automated score was calculated to assess if this variant is too frequent to cause the disease. Based on the score and internal cut-off values, a variant classified as benign is not then subjected to further curation. The score for this variant resulted in a classification of benign for this disease.

Athena Diagnostics
Classification: Benign. Last evaluated: 2017-07-12. Review status: criteria provided, single submitter. Criteria: Athena Diagnostics Criteria. Collection method: clinical testing. Allele origin: germline.

Ambry Genetics
Classification: Benign for Maturity-onset diabetes of the young. Last evaluated: 2014-12-08. Review status: criteria provided, single submitter. Criteria: Ambry Variant Classification Scheme 2023. Collection method: clinical testing. Allele origin: germline.

GeneDx
Classification: Benign. Last evaluated: 2013-08-21. Review status: criteria provided, single submitter. Criteria: GeneDx Variant Classification (06012015). Collection method: clinical testing. Allele origin: germline. Affected: yes.
Comment: This variant is considered likely benign or benign based on one or more of the following criteria: it is a conservative change, it occurs at a poorly conserved position in the protein, it is predicted to be benign by multiple in silico algorithms, and/or has population frequency not consistent with disease.

Breakthrough Genomics
Classification: Benign. Review status: criteria provided, single submitter. Criteria: ACMG Guidelines, 2015. Collection method: not provided. Allele origin: germline. Inheritance: Autosomal dominant inheritance. Affected: yes.

Clinical Genomics, Uppaluri K&H Personalized Medicine Clinic
Classification: Benign for Type 2 diabetes mellitus. Review status: criteria provided, single submitter. Criteria: K&H Uppaluri Personalized Medicine Clinic Variant Classification & Assertion Criteria. Collection method: research. Allele origin: somatic. Inheritance: Somatic mutation. Affected: yes.
Comment: rs28936678 in HNF1A gene can predispose to MODY3. It is associated with Type II Diabetes Mellitus and both micro and macrovascular complications of diabetes, especially cardiovascular complications. Associated with glucosuria and may respond well to sulfonylureas.

Clinical Genomics, Uppaluri K&H Personalized Medicine Clinic
Classification: Likely benign for Maturity-onset diabetes of the young. Review status: criteria provided, single submitter. Criteria: K & H Uppaluri Personalized Medicine Clinic Variant Classification & Assertion Criteria_Updated V.1. Collection method: research. Allele origin: unknown. Inheritance: Autosomal dominant inheritance.
Comment: Mutations in HNF1A gene can predispose to MODY3. It is associated with both micro and macrovascular complications of diabetes, especially cardiovascular complications. Associated with glucosuria. May respond well to sulfonylureas. Sufficient evidence is found to confer the association of this particular variant rs2259820 with MODY3.

PreventionGenetics, part of Exact Sciences
Classification: Benign. Review status: criteria provided, single submitter. Criteria: ACMG Guidelines, 2015. Collection method: clinical testing. Allele origin: germline.

Genetic Services Laboratory, University of Chicago
Classification: Likely benign for AllHighlyPenetrant. Review status: no assertion criteria provided. Collection method: clinical testing. Allele origin: germline. Inheritance: Autosomal dominant inheritance. Not counted in ClinVar's aggregate classification.
Comment: Likely benign based on allele frequency in 1000 Genomes Project or ESP global frequency and its presence in a patient with a rare or unrelated disease phenotype. NOT Sanger confirmed.

Literature cited by the submitters: PubMed 10634407 (cited by Athena Diagnostics); PubMed 15761192 (cited by Athena Diagnostics); PubMed 15883474 (cited by Athena Diagnostics); PubMed 15928245 (cited by Athena Diagnostics); PubMed 17407072 (cited by Athena Diagnostics); PubMed 17573900 (cited by Athena Diagnostics); PubMed 17937063 (cited by Athena Diagnostics); PubMed 18811724 (cited by Athena Diagnostics); PubMed 9112026 (cited by Athena Diagnostics); PubMed 9604876 (cited by Athena Diagnostics); PubMed 25057215 (cited by Clinical Genomics, Uppaluri K&H Personalized Medicine Clinic); PubMed 28105082 (cited by Clinical Genomics, Uppaluri K&H Personalized Medicine Clinic).

NM_000545.8(HNF1A):c.1375C>T (p.Leu459=)

Gene: HNF1A (HNF1 homeobox A; plus strand). Cytogenetic location: 12q24.31.
Variant type: single nucleotide variant.
Coding change: c.1375C>T on transcript NM_000545.8 (MANE Select); coding-DNA position 1375, C replaced by T.
Protein change: p.Leu459=; no amino-acid change (leucine 459 retained).
Molecular consequence: synonymous variant.
Genome position (GRCh38, 1-based): chr12:120,997,539, C>T. VCF-style: chr12-120997539-C-T. GRCh37 (hg19) VCF-style: chr12-121435342-C-T.
Other names: p.L459L:CTG>TTG; c.1375C>T, p.Leu459= (NM_001306179.2).
Identifiers: ClinVar variation 129229 (VCV000129229.29), dbSNP rs2259820, ClinGen allele CA153084.